The following is an entry in ClinVar:

NM_022124.6(CDH23):c.1789A>T (p.Thr597Ser)

Gene: CDH23 (cadherin related 23; plus strand). Cytogenetic location: 10q22.1.
Variant type: single nucleotide variant.
Coding change: c.1789A>T on transcript NM_022124.6 (MANE Select); coding-DNA position 1789, A replaced by T.
Protein change: p.Thr597Ser; replaces threonine 597 with serine.
Molecular consequence: missense variant.
Genome position (GRCh38, 1-based): chr10:71,679,423, A>T. VCF-style: chr10-71679423-A-T. GRCh37 (hg19) VCF-style: chr10-73439180-A-T.
Other names: c.1789A>T, p.Thr597Ser (NM_001171930.2, NM_001171931.2); short protein forms T597S.
Identifiers: ClinVar variation 3600742 (VCV003600742.1).

ClinVar aggregate classification (germline): Uncertain significance (1 of 4 stars; one submission).

gnomAD v4.1: 1 of 1,613,608 alleles (0.000062%); highest among the groups gnomAD compares: South Asian, 0.0011%; no homozygotes.

Submission:

GeneDx
Classification: Uncertain significance. Last evaluated: 2024-07-22. Review status: criteria provided, single submitter. Criteria: GeneDx Variant Classification Process June 2021. Collection method: clinical testing. Allele origin: germline. Affected: yes.
Comment: Not observed at significant frequency in large population cohorts (gnomAD); In silico analysis supports that this missense variant has a deleterious effect on protein structure/function; Has not been previously published as pathogenic or benign to our knowledge